The following is an entry in ClinVar:

NM_001363118.2(SLC52A2):c.116A>G (p.Lys39Arg)

Gene: SLC52A2 (solute carrier family 52 member 2; plus strand). Cytogenetic location: 8q24.3.
Variant type: single nucleotide variant.
Coding change: c.116A>G on transcript NM_001363118.2 (MANE Select); coding-DNA position 116, A replaced by G.
Protein change: p.Lys39Arg; replaces lysine 39 with arginine.
Molecular consequence: missense variant.
Genome position (GRCh38, 1-based): chr8:144,359,409, A>G. VCF-style: chr8-144359409-A-G. GRCh37 (hg19) VCF-style: chr8-145583069-A-G.
Other names: c.116A>G, p.Lys39Arg (NM_001253815.2, NM_001253816.2, NM_001363120.2 and 3 more transcripts); c.116A>G (NM_024531.3); short protein forms K39R.
Identifiers: ClinVar variation 579817 (VCV000579817.9), dbSNP rs782174760, ClinGen allele CA4938085.

ClinVar aggregate classification (germline): Uncertain significance. Review status: criteria provided, multiple submitters, no conflicts (2 of 4 stars). 4 submissions from 4 submitters: Uncertain significance (4). Last evaluated 2026-01-19.

Conditions:
Inborn genetic diseases. Identifiers: MedGen C0950123, MeSH D030342.
Brown-Vialetto-van Laere syndrome 2. Also called: Riboflavin transporter deficiency type 2; SPINOCEREBELLAR ATAXIA WITH BLINDNESS AND DEAFNESS 2. Identifiers: Orphanet 572543, Orphanet 97229, MedGen C3553538, MONDO:0013867, OMIM 614707.

Allele frequency attached by ClinVar (database versions not stated): gnomAD exomes 0.00004 and 0.00003; gnomAD 0.00001 and 0.00002; ExAC 0.00003.

Submissions (5):

Labcorp Genetics (formerly Invitae), Labcorp
Classification: Uncertain significance for Brown-Vialetto-van Laere syndrome 2. Last evaluated: 2026-01-19. Review status: criteria provided, single submitter. Criteria: Invitae Variant Classification Sherloc (09022015). Collection method: clinical testing. Allele origin: germline.
Comment: This sequence change replaces lysine, which is basic and polar, with arginine, which is basic and polar, at codon 39 of the SLC52A2 protein (p.Lys39Arg). This variant is present in population databases (rs782174760, gnomAD 0.007%). This variant has not been reported in the literature in individuals affected with SLC52A2-related conditions. ClinVar contains an entry for this variant (Variation ID: 579817). An algorithm developed to predict the effect of missense changes on protein structure and function outputs the following: PolyPhen-2: "Benign". The arginine amino acid residue is found in multiple mammalian species, which suggests that this missense change does not adversely affect protein function. In summary, the available evidence is currently insufficient to determine the role of this variant in disease. Therefore, it has been classified as a Variant of Uncertain Significance.

Ambry Genetics
Classification: Uncertain significance for Inborn genetic diseases. Last evaluated: 2024-01-02. Review status: criteria provided, single submitter. Criteria: Ambry Variant Classification Scheme 2023. Collection method: clinical testing. Allele origin: germline.

Department of Pathology and Laboratory Medicine, Sinai Health System
Classification: Uncertain significance for Brown-Vialetto-van Laere syndrome 2. Last evaluated: 2021-08-19. Review status: criteria provided, single submitter. Criteria: ACMG Guidelines, 2015. Collection method: research. Allele origin: germline.

Breakthrough Genomics
Classification: Uncertain significance. Review status: criteria provided, single submitter. Criteria: ACMG Guidelines, 2015. Collection method: not provided. Allele origin: germline. Inheritance: Autosomal recessive inheritance. Affected: yes.

Dr. Peter K. Rogan Lab, Western University
No classification provided (evidence only). Condition: Squamous cell lung carcinoma. Review status: no classification provided. Collection method: in vitro. Allele origin: not applicable. Functional consequence: retained intron. Not counted in ClinVar's aggregate classification.